The following is an entry in ClinVar:

ClinVar aggregate classification (germline): Uncertain significance. Review status: criteria provided, multiple submitters, no conflicts (2 of 4 stars). 2 submissions from 2 submitters: Uncertain significance (2). Last evaluated 2025-11-11.

Conditions:
Hereditary cancer-predisposing syndrome. Also called: Tumor predisposition; Neoplastic Syndromes, Hereditary; Hereditary Cancer Syndrome; Hereditary neoplastic syndrome. Identifiers: Orphanet 140162, MedGen C0027672, MeSH D009386, MONDO:0015356.
Neuroblastoma, susceptibility to, 3. Also called: ALK-Related Neuroblastic Tumor Susceptibility. Identifiers: Orphanet 635, MedGen C2751681, MONDO:0013083, OMIM 613014.

gnomAD v4.1: 3 of 1,614,010 alleles (0.00019%); highest among the groups gnomAD compares: African/African-American, 0.004%; no homozygotes.

Submissions (2):

Labcorp Genetics (formerly Invitae), Labcorp
Classification: Uncertain significance for Neuroblastoma, susceptibility to, 3. Last evaluated: 2025-11-11. Review status: criteria provided, single submitter. Criteria: Invitae Variant Classification Sherloc (09022015). Collection method: clinical testing. Allele origin: germline.
Comment: This sequence change replaces leucine, which is neutral and non-polar, with methionine, which is neutral and non-polar, at codon 720 of the ALK protein (p.Leu720Met). The frequency data for this variant in the population databases is considered unreliable, as metrics indicate poor data quality at this position in the gnomAD database. This variant has not been reported in the literature in individuals affected with ALK-related conditions. ClinVar contains an entry for this variant (Variation ID: 1786841). An algorithm developed to predict the effect of missense changes on protein structure and function (PolyPhen-2) suggests that this variant is likely to be disruptive. In summary, the available evidence is currently insufficient to determine the role of this variant in disease. Therefore, it has been classified as a Variant of Uncertain Significance.

Ambry Genetics
Classification: Uncertain significance for Hereditary cancer-predisposing syndrome. Last evaluated: 2024-06-14. Review status: criteria provided, single submitter. Criteria: Ambry Variant Classification Scheme 2023. Collection method: clinical testing. Allele origin: germline.
Comment: The p.L720M variant (also known as c.2158C>A), located in coding exon 12 of the ALK gene, results from a C to A substitution at nucleotide position 2158. The leucine at codon 720 is replaced by methionine, an amino acid with highly similar properties. This amino acid position is conserved. In addition, the in silico prediction for this alteration is inconclusive. Since supporting evidence is limited at this time, the clinical significance of this alteration remains unclear.

NM_004304.5(ALK):c.2158C>A (p.Leu720Met)

Gene: ALK (ALK receptor tyrosine kinase; minus strand). Cytogenetic location: 2p23.2.
Variant type: single nucleotide variant.
Coding change: c.2158C>A on transcript NM_004304.5 (MANE Select); coding-DNA position 2158, C replaced by A.
Protein change: p.Leu720Met; replaces leucine 720 with methionine.
Molecular consequence: missense variant.
Genome position (GRCh38, 1-based): chr2:29,251,151, G>T on the plus strand (C>A on the coding strand, the complement: ALK is on the minus strand). VCF-style: chr2-29251151-G-T. GRCh37 (hg19) VCF-style: chr2-29474017-G-T.
Other names: short protein forms L720M.
Identifiers: ClinVar variation 1786841 (VCV001786841.8), dbSNP rs774579604, ClinGen allele CA346476841.